The following is an entry in ClinVar:

NM_001372044.2(SHANK3):c.4224G>T (p.Val1408=)

Gene: SHANK3 (SH3 and multiple ankyrin repeat domains 3; plus strand). Cytogenetic location: 22q13.33.
Variant type: single nucleotide variant.
Coding change: c.4224G>T on transcript NM_001372044.2 (MANE Select); coding-DNA position 4224, G replaced by T.
Protein change: p.Val1408=; no amino-acid change (valine 1408 retained).
Molecular consequence: synonymous variant.
Genome position (GRCh38, 1-based): chr22:50,721,832, G>T. VCF-style: chr22-50721832-G-T. GRCh37 (hg19) VCF-style: chr22-51160260-G-T.
Other names: c.3999G>T, p.Val1333= (NM_033517.1).
Identifiers: ClinVar variation 1809854 (VCV001809854.1), dbSNP rs1197285612, ClinGen allele CA515263633.

ClinVar aggregate classification (germline): Uncertain significance (1 of 4 stars; one submission).

Submission:

GeneDx
Classification: Uncertain significance. Last evaluated: 2022-06-28. Review status: criteria provided, single submitter. Criteria: GeneDx Variant Classification Process June 2021. Collection method: clinical testing. Allele origin: germline. Affected: yes.
Comment: Not observed at significant frequency in large population cohorts (gnomAD); Has not been previously published as pathogenic or benign to our knowledge; In-silico analysis is inconclusive as to whether the variant alters gene splicing. In the absence of RNA/functional studies, the actual effect of this sequence change is unknown.